The following is an entry in ClinVar:

ClinVar aggregate classification (germline): Likely pathogenic (1 of 4 stars; one submission).

Conditions:
Glomuvenous malformation. Also called: VENOUS MALFORMATIONS WITH GLOMUS CELLS; Familial glomangioma; GLOMANGIOMAS, MULTIPLE; GLOMUS TUMORS, MULTIPLE. Identifiers: Orphanet 83454, MedGen C1841984, MONDO:0007672, OMIM 138000.

Submission:

Clinical Genomics Laboratory, Washington University in St. Louis
Classification: Likely pathogenic for Glomuvenous malformation. Last evaluated: 2023-08-21. Review status: criteria provided, single submitter. Criteria: ACMG Guidelines, 2015. Collection method: clinical testing. Allele origin: germline. Affected: yes.
Comment: The GLMN c.1585+1G>A variant was identified at a near heterozygous allelic fraction. This variant, to our knowledge, has not been reported in the medical literature. Loss-of-function variants, including those impacting splice sites, have been reported in glomuvenous malformation and Blue rubber bleb nevus syndrome (Brouillard P et al., PMID: 15689436, Borroni RG et al., PMID: 24961656; Borroni RG et al., PMID: 24345188; Brouillard P et al., PMID: 23801931; Amyere M et al., PMID: 23375657; Brouillard P et al., PMID: 11845407; Yin J et al., PMID: 31793416). The GLMN c.1585+1G>A variant is absent from the general population (gnomAD v.2.1.1), indicating it is not a common variant. This variant occurs within the canonical splice donor site, which is predicted to cause the skipping of the exon, leading to an out-of-frame transcript. Another variant at this position, c.1585+1G>T, has been reported in one individual with vascular malformations (Li D et al., PMID: 37264205, ClinVar Variation ID: 90837). Based on available information and the ACMG/AMP guidelines for variant interpretation (Richards S et al., PMID: 25741868), the GLMN c.1585+1G>A variant is classified as likely pathogenic.

NM_053274.3(GLMN):c.1585+1G>A

Gene: GLMN (glomulin, FKBP associated protein; minus strand). Cytogenetic location: 1p22.1.
Variant type: single nucleotide variant.
Coding change: c.1585+1G>A on transcript NM_053274.3 (MANE Select); the canonical splice donor site of the intron after coding-DNA position 1585, G replaced by A.
Molecular consequence: splice donor variant.
Genome position (GRCh38, 1-based): chr1:92,247,877, C>T on the plus strand (G>A on the coding strand, the complement: GLMN is on the minus strand). VCF-style: chr1-92247877-C-T. GRCh37 (hg19) VCF-style: chr1-92713434-C-T.
Other names: c.1543+1G>A (NM_001319683.2).
Identifiers: ClinVar variation 2672221 (VCV002672221.1), dbSNP rs2523746202, ClinGen allele CA341094461.
Genomic context (GRCh38, chr1:92,247,877, plus strand): 5'-ACAGTTCCAAAATTAGACTACTTTTTAGACCTAATTGAAAACAAAATTGCACATTACCAA[C>T]CTTGGCTATTTTTAATTTCTGCTTCATAATGTGCTTTTGACATATTAAGTCCTATATGAA-3'